The following is an entry in ClinVar:

ClinVar aggregate classification (germline): Uncertain significance. Review status: criteria provided, multiple submitters, no conflicts (2 of 4 stars). 2 submissions from 2 submitters: Uncertain significance (2). Last evaluated 2024-06-10.

Allele frequency attached by ClinVar (database versions not stated): TOPMed below 0.00001; gnomAD 0.00001; gnomAD exomes 0.00001.
gnomAD v4.1: 11 of 1,613,914 alleles (0.00068%); highest among the groups gnomAD compares: Non-Finnish European, 0.00085%; no homozygotes.

Submissions (2):

Ambry Genetics
Classification: Uncertain significance. Last evaluated: 2024-06-10. Review status: criteria provided, single submitter. Criteria: Ambry Variant Classification Scheme 2023. Collection method: clinical testing. Allele origin: germline.

Labcorp Genetics (formerly Invitae), Labcorp
Classification: Uncertain significance. Last evaluated: 2022-09-27. Review status: criteria provided, single submitter. Criteria: Invitae Variant Classification Sherloc (09022015). Collection method: clinical testing. Allele origin: germline.
Comment: This sequence change replaces methionine, which is neutral and non-polar, with valine, which is neutral and non-polar, at codon 606 of the RUSC2 protein (p.Met606Val). This variant is not present in population databases (gnomAD no frequency). This variant has not been reported in the literature in individuals affected with RUSC2-related conditions. ClinVar contains an entry for this variant (Variation ID: 1450518). Algorithms developed to predict the effect of missense changes on protein structure and function (SIFT, PolyPhen-2, Align-GVGD) all suggest that this variant is likely to be tolerated. In summary, the available evidence is currently insufficient to determine the role of this variant in disease. Therefore, it has been classified as a Variant of Uncertain Significance.

NM_014806.5(RUSC2):c.1816A>G (p.Met606Val)

Gene: RUSC2 (RUN and SH3 domain containing 2; plus strand). Cytogenetic location: 9p13.3.
Variant type: single nucleotide variant.
Coding change: c.1816A>G on transcript NM_014806.5 (MANE Select); coding-DNA position 1816, A replaced by G.
Protein change: p.Met606Val; replaces methionine 606 with valine.
Molecular consequence: missense variant. On other transcripts: intron variant (1).
Genome position (GRCh38, 1-based): chr9:35,548,337, A>G. VCF-style: chr9-35548337-A-G. GRCh37 (hg19) VCF-style: chr9-35548334-A-G.
Other names: c.1816A>G, p.Met606Val (NM_001135999.2); c.-620-6723A>G (NM_001330740.2); c.1816A>G (NM_001135999.1); short protein forms M606V.
Identifiers: ClinVar variation 1450518 (VCV001450518.4), dbSNP rs1821815223, ClinGen allele CA373335990.
Genomic context (GRCh38, chr9:35,548,337, plus strand): 5'-CCACTGGATGAGGGCACTTGCTGTAGCCATAGCCTGCCACCCATGCCTTTGGGGCCAGGC[A>G]TGGACCTACTTGGCCCAGACCCAAGTCCACCCTGGTCCACCCAGGTCTGTCAGGGACCCC-3'
Protein context (NP_055621.2, residues 596-616): SLPPMPLGPG[Met606Val]DLLGPDPSPP